The following is an entry in ClinVar:

NM_015450.3(POT1):c.729C>G (p.Ser243Arg)

Gene: POT1 (protection of telomeres 1; minus strand). Cytogenetic location: 7q31.33.
Variant type: single nucleotide variant.
Coding change: c.729C>G on transcript NM_015450.3 (MANE Select); coding-DNA position 729, C replaced by G.
Protein change: p.Ser243Arg; replaces serine 243 with arginine.
Molecular consequence: missense variant. On other transcripts: non-coding transcript variant (3).
Genome position (GRCh38, 1-based): chr7:124,853,112, G>C on the plus strand (C>G on the coding strand, the complement: POT1 is on the minus strand). VCF-style: chr7-124853112-G-C. GRCh37 (hg19) VCF-style: chr7-124493166-G-C.
Other names: c.336C>G, p.Ser112Arg (NM_001042594.2); short protein forms S112R, S243R.
Identifiers: ClinVar variation 4692718 (VCV004692718.1).

ClinVar aggregate classification (germline): Uncertain significance (1 of 4 stars; one submission).

Conditions:
Tumor predisposition syndrome 3 (TPDS3). Also called: Melanoma, cutaneous malignant, susceptibility to, 10; Glioma susceptibility 9; LONG TELOMERE SYNDROME, POT1-RELATED; POT1 Tumor Predisposition. Identifiers: Orphanet 618, MedGen C4014476, MONDO:0014368, OMIM 615848.

Submission:

Labcorp Genetics (formerly Invitae), Labcorp
Classification: Uncertain significance for Tumor predisposition syndrome 3. Last evaluated: 2025-10-29. Review status: criteria provided, single submitter. Criteria: Invitae Variant Classification Sherloc (09022015). Collection method: clinical testing. Allele origin: germline.
Comment: This sequence change replaces serine, which is neutral and polar, with arginine, which is basic and polar, at codon 243 of the POT1 protein (p.Ser243Arg). This variant is not present in population databases (gnomAD no frequency). This variant has not been reported in the literature in individuals affected with POT1-related conditions. Invitae Evidence Modeling of protein sequence and biophysical properties (such as structural, functional, and spatial information, amino acid conservation, physicochemical variation, residue mobility, and thermodynamic stability) indicates that this missense variant is not expected to disrupt POT1 protein function with a negative predictive value of 80%. In summary, the available evidence is currently insufficient to determine the role of this variant in disease. Therefore, it has been classified as a Variant of Uncertain Significance.